The following is an entry in ClinVar:

ClinVar aggregate classification (germline): Benign/Likely benign. Review status: criteria provided, multiple submitters, no conflicts (2 of 4 stars). 8 submissions from 8 submitters: Benign (2); Likely benign (3). 3 of the submissions do not count toward it. Last evaluated 2026-03-01.

Conditions:
PACS1-related disorder. Also called: PACS1-related condition.
Inborn genetic diseases. Identifiers: MedGen C0950123, MeSH D030342.
Schuurs-Hoeijmakers syndrome. Also called: PACS1-Related Neurodevelopmental Disorder. Identifiers: Orphanet 329224, MedGen C3554343, MONDO:0014006, OMIM 615009.

Allele frequency attached by ClinVar (database versions not stated): ExAC 0.00078; 1000 Genomes Project 30x 0.00265; TOPMed 0.00279; 1000 Genomes Project 0.00280; ESP Exome Variant Server 0.00300.
gnomAD v4.1: 756 of 1,613,732 alleles (0.047%); highest among the groups gnomAD compares: African/African-American, 0.92%; 5 homozygotes.

Submissions (12):

CeGaT Center for Human Genetics Tuebingen
Classification: Likely benign. Last evaluated: 2026-03-01. Review status: criteria provided, single submitter. Criteria: CeGaT Center For Human Genetics Tuebingen Variant Classification Criteria Version 2. Collection method: clinical testing. Allele origin: germline. Affected: yes. Observed: 1 variant allele.
Comment: PACS1: BS1

Labcorp Genetics (formerly Invitae), Labcorp
Classification: Benign for Schuurs-Hoeijmakers syndrome. Last evaluated: 2026-01-24. Review status: criteria provided, single submitter. Criteria: Invitae Variant Classification Sherloc (09022015). Collection method: clinical testing. Allele origin: germline.

Blueprint Genetics
Classification: Likely benign. Last evaluated: 2024-06-04. Review status: criteria provided, single submitter. Criteria: ACMG Guidelines, 2015. Collection method: clinical testing. Allele origin: germline.

GeneDx
Classification: Benign. Last evaluated: 2018-09-18. Review status: criteria provided, single submitter. Criteria: GeneDx Variant Classification Process June 2021. Collection method: clinical testing. Allele origin: germline. Affected: yes.

Ambry Genetics
Classification: Likely benign for Inborn genetic diseases. Last evaluated: 2018-08-01. Review status: criteria provided, single submitter. Criteria: Ambry Variant Classification Scheme 2023. Collection method: clinical testing. Allele origin: germline.

PreventionGenetics, part of Exact Sciences
Classification: Benign for PACS1-related condition. Last evaluated: 2024-06-13. Review status: no assertion criteria provided. Collection method: clinical testing. Allele origin: germline. Not counted in ClinVar's aggregate classification.
Comment: This variant is classified as benign based on ACMG/AMP sequence variant interpretation guidelines (Richards et al. 2015 PMID: 25741868, with internal and published modifications).

Clinical Genetics DNA and cytogenetics Diagnostics Lab, Erasmus MC, Erasmus Medical Center
Classification: Likely benign. Review status: no assertion criteria provided. Collection method: clinical testing. Allele origin: germline. Affected: yes. Study: VKGL Data-share Consensus. Not counted in ClinVar's aggregate classification.

Dr. Peter K. Rogan Lab, Western University
No classification provided (evidence only). Condition: Lung cancer. Review status: no classification provided. Collection method: in vitro. Allele origin: not applicable. Functional consequence: retained intron. Not counted in ClinVar's aggregate classification.

Dr. Peter K. Rogan Lab, Western University
No classification provided (evidence only). Condition: Colon adenocarcinoma. Review status: no classification provided. Collection method: in vitro. Allele origin: not applicable. Functional consequence: retained intron. Not counted in ClinVar's aggregate classification.

Dr. Peter K. Rogan Lab, Western University
No classification provided (evidence only). Condition: Cervical cancer. Review status: no classification provided. Collection method: in vitro. Allele origin: not applicable. Functional consequence: retained intron. Not counted in ClinVar's aggregate classification.

Dr. Peter K. Rogan Lab, Western University
No classification provided (evidence only). Condition: Malignant tumor of esophagus. Review status: no classification provided. Collection method: in vitro. Allele origin: not applicable. Functional consequence: retained intron. Not counted in ClinVar's aggregate classification.

Laboratory of Diagnostic Genome Analysis, Leiden University Medical Center (LUMC)
Classification: Likely benign. Review status: no assertion criteria provided. Collection method: clinical testing. Allele origin: germline. Affected: yes. Study: VKGL Data-share Consensus. Not counted in ClinVar's aggregate classification.

NM_018026.4(PACS1):c.661-5C>G

Gene: PACS1 (phosphofurin acidic cluster sorting protein 1; plus strand). Cytogenetic location: 11q13.2.
Variant type: single nucleotide variant.
Coding change: c.661-5C>G on transcript NM_018026.4 (MANE Select); 5 bases into the intron before coding-DNA position 661, C replaced by G.
Molecular consequence: intron variant.
Genome position (GRCh38, 1-based): chr11:66,216,114, C>G. VCF-style: chr11-66216114-C-G. GRCh37 (hg19) VCF-style: chr11-65983585-C-G.
Identifiers: ClinVar variation 589502 (VCV000589502.26), dbSNP rs79265330, ClinGen allele CA6116313.
Genomic context (GRCh38, chr11:66,216,114, plus strand): 5'-CCTTGGCTGTGTTTCTCCAGGTGCCTCTGTAGTAACACGCCTCCACCACCTCCCCTGGCT[C>G]CTAGGTGATGCAGCATCCTAATGAAGGCGCACTGGTGCTTGGCCTACACAGCAACGTGAA-3'